The following is an entry in ClinVar:

NM_018006.5(TRMU):c.272A>G (p.Lys91Arg)

Gene: TRMU (tRNA mitochondrial 2-thiouridylase; plus strand). Cytogenetic location: 22q13.31.
Variant type: single nucleotide variant.
Coding change: c.272A>G on transcript NM_018006.5 (MANE Select); coding-DNA position 272, A replaced by G.
Protein change: p.Lys91Arg; replaces lysine 91 with arginine.
Molecular consequence: missense variant. On other transcripts: non-coding transcript variant (1), intron variant (3).
Genome position (GRCh38, 1-based): chr22:46,343,285, A>G. VCF-style: chr22-46343285-A-G. GRCh37 (hg19) VCF-style: chr22-46739182-A-G.
Other names: p.K91R:AAA>AGA; c.272A>G, p.Lys91Arg (NM_001282785.2); c.14-3137A>G (NM_001282782.2); c.-6-3137A>G (NM_001282783.2, NM_001282784.2); short protein forms K91R.
Identifiers: ClinVar variation 215285 (VCV000215285.17), dbSNP rs138044544, ClinGen allele CA320691.

ClinVar aggregate classification (germline): Benign/Likely benign. Review status: criteria provided, multiple submitters, no conflicts (2 of 4 stars). 5 submissions from 5 submitters: Benign (3); Likely benign (1). 1 of the submissions does not count toward it. Last evaluated 2026-07-01.

Conditions:
Acute infantile liver failure due to synthesis defect of mtDNA-encoded proteins. Also called: Liver failure acute infantile; LIVER FAILURE, INFANTILE, TRANSIENT; TRMU Deficiency. Identifiers: Orphanet 217371, MedGen C3278664, MONDO:0013111, OMIM 613070.

Allele frequency attached by ClinVar (database versions not stated): gnomAD 0.00002 and 0.00033; TOPMed 0.00006; ESP Exome Variant Server 0.00015; gnomAD exomes 0.00061 and 0.00128; ExAC 0.00151; 1000 Genomes Project 30x 0.00219; 1000 Genomes Project 0.00260.
gnomAD v4.1: 956 of 1,613,926 alleles (0.059%); highest among the groups gnomAD compares: South Asian, 0.99%; 16 homozygotes.

Submissions (5):

CeGaT Center for Human Genetics Tuebingen
Classification: Likely benign. Last evaluated: 2026-07-01. Review status: criteria provided, single submitter. Criteria: CeGaT Center For Human Genetics Tuebingen Variant Classification Criteria Version 2. Collection method: clinical testing. Allele origin: germline. Affected: yes. Observed: 1 variant allele.
Comment: TRMU: BP4, BS2

Labcorp Genetics (formerly Invitae), Labcorp
Classification: Benign. Last evaluated: 2026-02-02. Review status: criteria provided, single submitter. Criteria: Invitae Variant Classification Sherloc (09022015). Collection method: clinical testing. Allele origin: germline.

Illumina Laboratory Services, Illumina
Classification: Benign for Acute infantile liver failure due to synthesis defect of mtDNA-encoded proteins. Last evaluated: 2018-01-12. Review status: criteria provided, single submitter. Criteria: ICSL Variant Classification Criteria 13 December 2019. Collection method: clinical testing. Allele origin: germline.
Comment: This variant was observed in the ICSL laboratory as part of a predisposition screen in an ostensibly healthy population. It had not been previously curated by ICSL or reported in the Human Gene Mutation Database (HGMD: prior to June 1st, 2018), and was therefore a candidate for classification through an automated scoring system. Utilizing variant allele frequency, disease prevalence and penetrance estimates, and inheritance mode, an automated score was calculated to assess if this variant is too frequent to cause the disease. Based on the score and internal cut-off values, a variant classified as benign is not then subjected to further curation. The score for this variant resulted in a classification of benign for this disease.

GeneDx
Classification: Benign. Last evaluated: 2016-07-05. Review status: criteria provided, single submitter. Criteria: GeneDx Variant Classification (06012015). Collection method: clinical testing. Allele origin: germline. Affected: yes.
Comment: This variant is considered likely benign or benign based on one or more of the following criteria: it is a conservative change, it occurs at a poorly conserved position in the protein, it is predicted to be benign by multiple in silico algorithms, and/or has population frequency not consistent with disease.

Natera, Inc.
Classification: Benign for Acute infantile liver failure due to synthesis defect of mtDNA-encoded proteins. Last evaluated: 2020-01-12. Review status: no assertion criteria provided. Collection method: clinical testing. Allele origin: germline. Not counted in ClinVar's aggregate classification.